The following is an entry in ClinVar:

NM_024529.5(CDC73):c.482A>G (p.Lys161Arg)

Gene: CDC73 (cell division cycle 73; plus strand). Cytogenetic location: 1q31.2.
Variant type: single nucleotide variant.
Coding change: c.482A>G on transcript NM_024529.5 (MANE Select); coding-DNA position 482, A replaced by G.
Protein change: p.Lys161Arg; replaces lysine 161 with arginine.
Molecular consequence: missense variant.
Genome position (GRCh38, 1-based): chr1:193,138,143, A>G. VCF-style: chr1-193138143-A-G. GRCh37 (hg19) VCF-style: chr1-193107273-A-G.
Other names: short protein forms K161R.
Identifiers: ClinVar variation 4811178 (VCV004811178.1).
Genomic context (GRCh38, chr1:193,138,143, plus strand): 5'-AGGATGAAGAGTGTGTGCGCCTTGATAAAGAGAGATTGGCTGCCCGTTTGGAGGGTCACA[A>G]AGAAGGGATTGTACAGACTGAACAGATTAGGTAAGAATTCTTTTTAAGTAGAAAGTAGGT-3'
Protein context (NP_078805.3, residues 151-171): ERLAARLEGH[Lys161Arg]EGIVQTEQIR

ClinVar aggregate classification (germline): Uncertain significance (1 of 4 stars; one submission).

Conditions:
Parathyroid carcinoma (PRTC). Also called: Parathyroid gland carcinoma; CDC73-Related Parathyroid Carcinoma. Identifiers: Orphanet 143, MedGen C0687150, MONDO:0012004, OMIM 608266, HP:0006780.

Submission:

Labcorp Genetics (formerly Invitae), Labcorp
Classification: Uncertain significance for Parathyroid carcinoma. Last evaluated: 2025-11-09. Review status: criteria provided, single submitter. Criteria: Invitae Variant Classification Sherloc (09022015). Collection method: clinical testing. Allele origin: germline.
Comment: This sequence change replaces lysine, which is basic and polar, with arginine, which is basic and polar, at codon 161 of the CDC73 protein (p.Lys161Arg). This variant is not present in population databases (gnomAD no frequency). This variant has not been reported in the literature in individuals affected with CDC73-related conditions. Invitae Evidence Modeling of protein sequence and biophysical properties (such as structural, functional, and spatial information, amino acid conservation, physicochemical variation, residue mobility, and thermodynamic stability) indicates that this missense variant is not expected to disrupt CDC73 protein function with a negative predictive value of 80%. In summary, the available evidence is currently insufficient to determine the role of this variant in disease. Therefore, it has been classified as a Variant of Uncertain Significance.